The following is an entry in ClinVar:

ClinVar aggregate classification (germline): Uncertain significance (1 of 4 stars; one submission).

Conditions:
Gastrointestinal stromal tumor. Also called: Gastrointestinal stromal tumor, somatic; Gastrointestinal stroma tumor. Identifiers: Orphanet 44890, MedGen C0238198, MeSH D046152, MONDO:0011719, OMIM 606764, HP:0100723.

Submission:

Labcorp Genetics (formerly Invitae), Labcorp
Classification: Uncertain significance for Gastrointestinal stromal tumor. Last evaluated: 2024-01-28. Review status: criteria provided, single submitter. Criteria: Invitae Variant Classification Sherloc (09022015). Collection method: clinical testing. Allele origin: germline.
Comment: This sequence change replaces lysine, which is basic and polar, with isoleucine, which is neutral and non-polar, at codon 779 of the PDGFRA protein (p.Lys779Ile). This variant is not present in population databases (gnomAD no frequency). This variant has not been reported in the literature in individuals affected with PDGFRA-related conditions. Advanced modeling of protein sequence and biophysical properties (such as structural, functional, and spatial information, amino acid conservation, physicochemical variation, residue mobility, and thermodynamic stability) performed at Invitae indicates that this missense variant is not expected to disrupt PDGFRA protein function with a negative predictive value of 80%. In summary, the available evidence is currently insufficient to determine the role of this variant in disease. Therefore, it has been classified as a Variant of Uncertain Significance.

NM_006206.6(PDGFRA):c.2336A>T (p.Lys779Ile)

Gene: PDGFRA (platelet derived growth factor receptor alpha; plus strand). Cytogenetic location: 4q12.
Variant type: single nucleotide variant.
Coding change: c.2336A>T on transcript NM_006206.6 (MANE Select); coding-DNA position 2336, A replaced by T.
Protein change: p.Lys779Ile; replaces lysine 779 with isoleucine.
Molecular consequence: missense variant.
Genome position (GRCh38, 1-based): chr4:54,285,383, A>T. VCF-style: chr4-54285383-A-T. GRCh37 (hg19) VCF-style: chr4-55151550-A-T.
Other names: c.2411A>T, p.Lys804Ile (NM_001347828.2); c.2336A>T, p.Lys779Ile (NM_001347829.2); c.2375A>T, p.Lys792Ile (NM_001347830.2); short protein forms K804I, K792I, K779I.
Identifiers: ClinVar variation 2713867 (VCV002713867.3), dbSNP rs2475545637, ClinGen allele CA356894605.
Genomic context (GRCh38, chr4:54,285,383, plus strand): 5'-ATTTCCTGCTGCCTGCCAGCACCAATACATTTAATTTCTTTTCTGCAGACTCAGAAGTCA[A>T]AAACCTCCTTTCAGATGATAACTCAGAAGGCCTTACTTTATTGGATTTGTTGAGCTTCAC-3'
Protein context (NP_006197.1, residues 769-789): KKKSMLDSEV[Lys779Ile]NLLSDDNSEG